The following is an entry in ClinVar:

ClinVar aggregate classification (germline): Conflicting classifications of pathogenicity. Review status: criteria provided, conflicting classifications (1 of 4 stars). 6 submissions from 6 submitters: Uncertain significance (4); Likely benign (1). 1 of the submissions does not count toward it. Last evaluated 2026-01-07.

Conditions:
Cardiovascular phenotype. Identifiers: MedGen CN230736.
Familial long QT syndrome (RWS). Also called: Congenital long QT syndrome; Romano-Ward syndrome; VENTRICULAR FIBRILLATION WITH PROLONGED QT INTERVAL. Identifiers: Orphanet 768, MedGen C1141890, MONDO:0019171.
Long QT syndrome (LQTS). Identifiers: MedGen C0023976, MeSH D008133, MONDO:0002442. Disease mechanism: loss of function. Inheritance: Various modes of inheritance.
Cardiac arrhythmia, ankyrin-B-related. Also called: ANKYRIN-B SYNDROME. Identifiers: Orphanet 101016, Orphanet 768, MedGen C1970119, MONDO:0010958, OMIM 600919.

Allele frequency attached by ClinVar (database versions not stated): gnomAD exomes 0.00008; TOPMed 0.00006; 1000 Genomes Project 30x 0.00031; gnomAD 0.00005; ExAC 0.00008; 1000 Genomes Project 0.00020.
gnomAD v4.1: 116 of 1,612,770 alleles (0.0072%); highest among the groups gnomAD compares: East Asian, 0.016%; no homozygotes.

Submissions (6):

Labcorp Genetics (formerly Invitae), Labcorp
Classification: Uncertain significance for Long QT syndrome. Last evaluated: 2026-01-07. Review status: criteria provided, single submitter. Criteria: Invitae Variant Classification Sherloc (09022015). Collection method: clinical testing. Allele origin: germline.
Comment: This sequence change replaces glutamic acid, which is acidic and polar, with lysine, which is basic and polar, at codon 3570 of the ANK2 protein (p.Glu3570Lys). This variant is present in population databases (rs180843436, gnomAD 0.05%), and has an allele count higher than expected for a pathogenic variant. This missense change has been observed in individual(s) with nonexertional syncope as well as in individuals with neurodevelopmental disorders (PMID: 16253912, 28191889, 30564305). ClinVar contains an entry for this variant (Variation ID: 67595). An algorithm developed to predict the effect of missense changes on protein structure and function (PolyPhen-2) suggests that this variant is likely to be disruptive. In summary, the available evidence is currently insufficient to determine the role of this variant in disease. Therefore, it has been classified as a Variant of Uncertain Significance.

GeneDx
Classification: Uncertain significance. Last evaluated: 2023-07-12. Review status: criteria provided, single submitter. Criteria: GeneDx Variant Classification Process June 2021. Collection method: clinical testing. Allele origin: germline. Affected: yes.
Comment: Reported in association with arrhythmia and cardiomyopathy, though limited clinical detail was provided and/or additional variants were identified (Lopes et al., 2015; Celestino-Soper et al., 2016; Proost et al., 2017); Identified among a large cohort of individuals with neurodevelopmental disorders; described as c.10804G>A (Stessman et al., 2017; Wang et al., 2020); In silico analysis supports that this missense variant has a deleterious effect on protein structure/function; This variant is associated with the following publications: (PMID: 22956155, 25351510, 30564305, 33004838, 16253912, 28341588, 26771585, 28191889)

Ambry Genetics
Classification: Likely benign for Cardiovascular phenotype. Last evaluated: 2023-06-26. Review status: criteria provided, single submitter. Criteria: Ambry Variant Classification Scheme 2023. Collection method: clinical testing. Allele origin: germline.

Fulgent Genetics
Classification: Uncertain significance for Cardiac arrhythmia, ankyrin-B-related. Last evaluated: 2021-10-05. Review status: criteria provided, single submitter. Criteria: ACMG Guidelines, 2015. Collection method: clinical testing. Allele origin: unknown.

Eurofins Ntd Llc (ga)
Classification: Uncertain significance. Last evaluated: 2016-08-16. Review status: criteria provided, single submitter. Criteria: EGL Classification Definitions 2015. Collection method: clinical testing. Allele origin: germline. Observed: 2 variant alleles, 2 heterozygotes.

Cardiovascular Biomedical Research Unit, Royal Brompton & Harefield NHS Foundation Trust
No classification provided. Condition: Familial long QT syndrome. Review status: no classification provided. Collection method: literature only. Allele origin: germline. Not counted in ClinVar's aggregate classification.
Comment: This variant has been reported as associated with Long QT syndrome in the following publications (PMID:16253912). This is a literature report, and does not necessarily reflect the clinical interpretation of the Imperial College / Royal Brompton Cardiovascular Genetics laboratory.

Literature cited by the submitters: PubMed 16253912 (cited by 3 submitters); PubMed 28191889 (cited by Labcorp Genetics (formerly Invitae), Labcorp); PubMed 30564305 (cited by Labcorp Genetics (formerly Invitae), Labcorp and Ambry Genetics); PubMed 25351510 (cited by Ambry Genetics); PubMed 26771585 (cited by Ambry Genetics); PubMed 28518168 (cited by Ambry Genetics); PubMed 32461654 (cited by Ambry Genetics); PubMed 22581653 (cited by Cardiovascular Biomedical Research Unit, Royal Brompton & Harefield NHS Foundation Trust).

NM_001148.6(ANK2):c.10708G>A (p.Glu3570Lys)

Gene: ANK2 (ankyrin 2; plus strand). Cytogenetic location: 4q26.
Variant type: single nucleotide variant.
Coding change: c.10708G>A on transcript NM_001148.6 (MANE Select); coding-DNA position 10708, G replaced by A.
Protein change: p.Glu3570Lys; replaces glutamic acid 3570 with lysine.
Molecular consequence: missense variant.
Genome position (GRCh38, 1-based): chr4:113,360,849, G>A. VCF-style: chr4-113360849-G-A. GRCh37 (hg19) VCF-style: chr4-114282005-G-A.
Other names: c.10708G>A (LRG_327t1); c.4426G>A, p.Glu1476Lys (NM_001127493.3); c.4465G>A, p.Glu1489Lys (NM_001354225.2); c.4354G>A, p.Glu1452Lys (NM_001354228.2, NM_001354258.2); c.4432G>A, p.Glu1478Lys (NM_001354230.2); c.4495G>A, p.Glu1499Lys (NM_001354231.2, NM_001354242.2); c.4489G>A, p.Glu1497Lys (NM_001354232.2); c.4450G>A, p.Glu1484Lys (NM_001354235.2, NM_001354246.2, NM_001354265.2); and 36 more; short protein forms E1476K, E3570K, E1407K, E1430K, E1442K, E1475K, E1484K, E1497K.
Identifiers: ClinVar variation 67595 (VCV000067595.17), dbSNP rs180843436, ClinGen allele CA329720.